The following is an entry in ClinVar:

ClinVar aggregate classification (germline): Uncertain significance. Review status: criteria provided, multiple submitters, no conflicts (2 of 4 stars). 3 submissions from 3 submitters: Uncertain significance (3). Last evaluated 2024-10-07.

Conditions:
RYR1-related disorder. Also called: RYR1-related condition; RYR1-related disorders. Identifiers: MedGen CN239331.
Malignant hyperthermia, susceptibility to, 1 (MHS1). Also called: RYR1-Related Malignant Hyperthermia Susceptibility; Malignant hyperthermia suceptibility 1; Anesthesia related hyperthermia; Malignant hyperpyrexia; Fulminating hyperpyrexia; Pharmacogenic myopathy. Identifiers: Orphanet 423, MedGen C2930980, MONDO:0007783, OMIM 145600.

Allele frequency attached by ClinVar (database versions not stated): gnomAD exomes below 0.00001 and 0.00001; TOPMed below 0.00001; ExAC 0.00001; ESP Exome Variant Server 0.00008.
gnomAD v4.1: 1 of 1,613,946 alleles (0.000062%); highest among the groups gnomAD compares: Non-Finnish European, 0.000085%; no homozygotes.

Submissions (3):

Labcorp Genetics (formerly Invitae), Labcorp
Classification: Uncertain significance for RYR1-related disorder. Last evaluated: 2024-10-07. Review status: criteria provided, single submitter. Criteria: Invitae Variant Classification Sherloc (09022015). Collection method: clinical testing. Allele origin: germline.
Comment: This sequence change replaces tyrosine, which is neutral and polar, with cysteine, which is neutral and slightly polar, at codon 1254 of the RYR1 protein (p.Tyr1254Cys). This variant is present in population databases (rs374083094, gnomAD 0.002%). This variant has not been reported in the literature in individuals affected with RYR1-related conditions. ClinVar contains an entry for this variant (Variation ID: 1436580). Invitae Evidence Modeling of protein sequence and biophysical properties (such as structural, functional, and spatial information, amino acid conservation, physicochemical variation, residue mobility, and thermodynamic stability) indicates that this missense variant is not expected to disrupt RYR1 protein function with a negative predictive value of 80%. In summary, the available evidence is currently insufficient to determine the role of this variant in disease. Therefore, it has been classified as a Variant of Uncertain Significance.

All of Us Research Program, National Institutes of Health
Classification: Uncertain significance for Malignant hyperthermia, susceptibility to, 1. Last evaluated: 2024-07-10. Review status: criteria provided, single submitter. Criteria: ACMG Guidelines, 2015. Collection method: clinical testing. Allele origin: germline. Inheritance: Autosomal dominant inheritance. Observed: 2 variant alleles, 2 heterozygotes.
Comment: This missense variant replaces tyrosine with cysteine at codon 1254 of the RYR1 protein. Computational prediction is inconclusive regarding the impact of this variant on protein structure and function (internally defined REVEL score threshold 0.5 < inconclusive < 0.7, PMID: 27666373). To our knowledge, functional studies have not been reported for this variant. This variant has not been reported in individuals affected with RYR1-related disorders in the literature. This variant has been identified in 2/249714 chromosomes in the general population by the Genome Aggregation Database (gnomAD). The available evidence is insufficient to determine the role of this variant in disease conclusively. Therefore, this variant is classified as a Variant of Uncertain Significance.

This study involves interpretation of variants in research participants for the purpose of population health screening. Participant phenotype was not available at the time of variant classification. Additional details can be found in publication PMID: 35346344, PMCID: PMC8962531

PreventionGenetics, part of Exact Sciences
Classification: Uncertain significance for RYR1-related condition. Last evaluated: 2023-05-25. Review status: criteria provided, single submitter. Criteria: ACMG Guidelines, 2015. Collection method: clinical testing. Allele origin: germline.
Comment: The RYR1 c.3761A>G variant is predicted to result in the amino acid substitution p.Tyr1254Cys. To our knowledge, this variant has not been reported in the literature. This variant is reported in 0.0018% of alleles in individuals of European (Non-Finnish) descent in gnomAD. At this time, the clinical significance of this variant is uncertain due to the absence of conclusive functional and genetic evidence.

NM_000540.3(RYR1):c.3761A>G (p.Tyr1254Cys)

Gene: RYR1 (ryanodine receptor 1; plus strand). Cytogenetic location: 19q13.2.
Variant type: single nucleotide variant.
Coding change: c.3761A>G on transcript NM_000540.3 (MANE Select); coding-DNA position 3761, A replaced by G.
Protein change: p.Tyr1254Cys; replaces tyrosine 1254 with cysteine.
Molecular consequence: missense variant.
Genome position (GRCh38, 1-based): chr19:38,469,509, A>G. VCF-style: chr19-38469509-A-G. GRCh37 (hg19) VCF-style: chr19-38960149-A-G.
Other names: c.3761A>G, p.Tyr1254Cys (NM_001042723.2); c.3761A>G (NM_000540.2); short protein forms Y1254C.
Identifiers: ClinVar variation 1436580 (VCV001436580.7), dbSNP rs374083094, ClinGen allele CA065126.